The following is an entry in ClinVar:

ClinVar aggregate classification (germline): Uncertain significance (1 of 4 stars; one submission).

Conditions:
Congenital myasthenic syndrome 8. Also called: MYASTHENIC SYNDROME, CONGENITAL, DUE TO AGRIN DEFICIENCY; Myasthenic syndrome, congenital, 8, with pre- and postsynaptic defects. Identifiers: Orphanet 590, MedGen C3808739, MONDO:0014052, OMIM 615120.

Submission:

Labcorp Genetics (formerly Invitae), Labcorp
Classification: Uncertain significance for Congenital myasthenic syndrome 8. Last evaluated: 2022-08-07. Review status: criteria provided, single submitter. Criteria: Invitae Variant Classification Sherloc (09022015). Collection method: clinical testing. Allele origin: germline.
Comment: This variant is not present in population databases (gnomAD no frequency). This sequence change replaces leucine, which is neutral and non-polar, with proline, which is neutral and non-polar, at codon 343 of the AGRN protein (p.Leu343Pro). This variant has not been reported in the literature in individuals affected with AGRN-related conditions. In summary, the available evidence is currently insufficient to determine the role of this variant in disease. Therefore, it has been classified as a Variant of Uncertain Significance. Algorithms developed to predict the effect of missense changes on protein structure and function are either unavailable or do not agree on the potential impact of this missense change (SIFT: "Deleterious"; PolyPhen-2: "Probably Damaging"; Align-GVGD: "Class C0").

NM_198576.4(AGRN):c.1028T>C (p.Leu343Pro)

Gene: AGRN (agrin; plus strand). Cytogenetic location: 1p36.33.
Variant type: single nucleotide variant.
Coding change: c.1028T>C on transcript NM_198576.4 (MANE Select); coding-DNA position 1028, T replaced by C.
Protein change: p.Leu343Pro; replaces leucine 343 with proline.
Molecular consequence: missense variant.
Genome position (GRCh38, 1-based): chr1:1,041,553, T>C. VCF-style: chr1-1041553-T-C. GRCh37 (hg19) VCF-style: chr1-976933-T-C.
Other names: c.1028T>C, p.Leu343Pro (NM_001305275.2); c.713T>C, p.Leu238Pro (NM_001364727.2); short protein forms L343P, L238P.
Identifiers: ClinVar variation 2015049 (VCV002015049.4), dbSNP rs757088523, ClinGen allele CA337826500.